The following is an entry in ClinVar:

NM_032119.4(ADGRV1):c.1497C>T (p.Ser499=)

Gene: ADGRV1 (adhesion G protein-coupled receptor V1; plus strand). Cytogenetic location: 5q14.3.
Variant type: single nucleotide variant.
Coding change: c.1497C>T on transcript NM_032119.4 (MANE Select); coding-DNA position 1497, C replaced by T.
Protein change: p.Ser499=; no amino-acid change (serine 499 retained).
Molecular consequence: synonymous variant. On other transcripts: non-coding transcript variant (1).
Genome position (GRCh38, 1-based): chr5:90,628,820, C>T. VCF-style: chr5-90628820-C-T. GRCh37 (hg19) VCF-style: chr5-89924637-C-T.
Other names: c.1497C>T (NM_032119.3).
Identifiers: ClinVar variation 1038029 (VCV001038029.8), dbSNP rs201377512, ClinGen allele CA3338693.

ClinVar aggregate classification (germline): Benign/Likely benign. Review status: criteria provided, multiple submitters, no conflicts (2 of 4 stars). 2 submissions from 2 submitters: Benign (1); Likely benign (1). Last evaluated 2026-01-27.

Conditions:
ADGRV1-related disorder. Also called: ADGRV1-related condition; ADGRV1-related disorders.

Allele frequency attached by ClinVar (database versions not stated): gnomAD below 0.00001 and 0.00004; TOPMed 0.00001; gnomAD exomes 0.00003 and 0.00005; ExAC 0.00005; 1000 Genomes Project 30x 0.00016; 1000 Genomes Project 0.00020.
gnomAD v4.1: 52 of 1,613,758 alleles (0.0032%); highest among the groups gnomAD compares: South Asian, 0.029%; 1 homozygote.

Submissions (2):

Labcorp Genetics (formerly Invitae), Labcorp
Classification: Benign. Last evaluated: 2026-01-27. Review status: criteria provided, single submitter. Criteria: Invitae Variant Classification Sherloc (09022015). Collection method: clinical testing. Allele origin: germline.

PreventionGenetics, part of Exact Sciences
Classification: Likely benign for ADGRV1-related condition. Last evaluated: 2025-10-02. Review status: criteria provided, single submitter. Criteria: ACMG Guidelines, 2015. Collection method: clinical testing. Allele origin: germline.
Comment: This variant is classified as likely benign based on ACMG/AMP sequence variant interpretation guidelines (Richards et al. 2015 PMID: 25741868, with internal and published modifications).